The following is an entry in ClinVar:

NM_005751.5(AKAP9):c.11435C>T (p.Ser3812Leu)

Gene: AKAP9 (A-kinase anchoring protein 9; plus strand). Cytogenetic location: 7q21.2.
Variant type: single nucleotide variant.
Coding change: c.11435C>T on transcript NM_005751.5 (MANE Select); coding-DNA position 11435, C replaced by T.
Protein change: p.Ser3812Leu; replaces serine 3812 with leucine.
Molecular consequence: missense variant.
Genome position (GRCh38, 1-based): chr7:92,107,311, C>T. VCF-style: chr7-92107311-C-T. GRCh37 (hg19) VCF-style: chr7-91736625-C-T.
Other names: c.6080C>T, p.Ser2027Leu (NM_001379277.1); c.11411C>T, p.Ser3804Leu (NM_147185.3); short protein forms S2027L, S3812L, S3804L.
Identifiers: ClinVar variation 1731736 (VCV001731736.7), dbSNP rs1390307317, ClinGen allele CA368164125.
Genomic context (GRCh38, chr7:92,107,311, plus strand): 5'-GATTTTATTTTTCTTTACAAGGAATATTTTGGGTTACTTTAGGTGCAGAAAAGACTGACT[C>T]ATTTTATCATTCTTCTGGTGGGCTGGAGTTATATGGAGAACCAAGACATACTACGTATCG-3'
Protein context (NP_005742.4, residues 3802-3822): GLNQGAEKTD[Ser3812Leu]FYHSSGGLEL

ClinVar aggregate classification (germline): Uncertain significance. Review status: criteria provided, multiple submitters, no conflicts (2 of 4 stars). 2 submissions from 2 submitters: Uncertain significance (2). Last evaluated 2022-04-29.

Conditions:
Cardiovascular phenotype. Identifiers: MedGen CN230736.
Long QT syndrome (LQTS). Identifiers: MedGen C0023976, MeSH D008133, MONDO:0002442. Disease mechanism: loss of function. Inheritance: Various modes of inheritance.

Allele frequency attached by ClinVar (database versions not stated): TOPMed 0.00001; gnomAD 0.00001.
gnomAD v4.1: 9 of 1,613,784 alleles (0.00056%); highest among the groups gnomAD compares: Non-Finnish European, 0.00076%; no homozygotes.

Submissions (2):

Labcorp Genetics (formerly Invitae), Labcorp
Classification: Uncertain significance for Long QT syndrome. Last evaluated: 2022-04-29. Review status: criteria provided, single submitter. Criteria: Invitae Variant Classification Sherloc (09022015). Collection method: clinical testing. Allele origin: germline.
Comment: In summary, the available evidence is currently insufficient to determine the role of this variant in disease. Therefore, it has been classified as a Variant of Uncertain Significance. Algorithms developed to predict the effect of missense changes on protein structure and function output the following: SIFT: "Deleterious"; PolyPhen-2: "Benign"; Align-GVGD: "Class C15". The leucine amino acid residue is found in multiple mammalian species, which suggests that this missense change does not adversely affect protein function. This variant has not been reported in the literature in individuals affected with AKAP9-related conditions. This variant is present in population databases (no rsID available, gnomAD 0.002%). This sequence change replaces serine, which is neutral and polar, with leucine, which is neutral and non-polar, at codon 3812 of the AKAP9 protein (p.Ser3812Leu).

Ambry Genetics
Classification: Uncertain significance for Cardiovascular phenotype. Last evaluated: 2021-12-29. Review status: criteria provided, single submitter. Criteria: Ambry Variant Classification Scheme 2023. Collection method: clinical testing. Allele origin: germline.
Comment: The p.S3812L variant (also known as c.11435C>T), located in coding exon 48 of the AKAP9 gene, results from a C to T substitution at nucleotide position 11435. The serine at codon 3812 is replaced by leucine, an amino acid with dissimilar properties. This amino acid position is conserved. In addition, this alteration is predicted to be tolerated by in silico analysis. Since supporting evidence is limited at this time, the clinical significance of this alteration remains unclear.